The following is an entry in ClinVar:

ClinVar aggregate classification (germline): Benign. Review status: criteria provided, multiple submitters, no conflicts (2 of 4 stars). 5 submissions from 5 submitters: Benign (5). Last evaluated 2026-01-18.

Conditions:
Hemolytic anemia due to glutathione reductase deficiency (CNSHA10). Also called: ANEMIA, CONGENITAL, NONSPHEROCYTIC HEMOLYTIC, 10. Identifiers: Orphanet 90030, MedGen C5231513, MONDO:0019531, OMIM 618660.

Allele frequency attached by ClinVar (database versions not stated): gnomAD exomes 0.01309; ExAC 0.03728; gnomAD 0.03848 and 0.03974; TOPMed 0.04143; 1000 Genomes Project 0.04892; 1000 Genomes Project 30x 0.05012.
gnomAD v4.1: 16,726 of 1,471,350 alleles (1.1%); highest among the groups gnomAD compares: African/African-American, 12%; 668 homozygotes.

Submissions (5):

Labcorp Genetics (formerly Invitae), Labcorp
Classification: Benign. Last evaluated: 2026-01-18. Review status: criteria provided, single submitter. Criteria: Invitae Variant Classification Sherloc (09022015). Collection method: clinical testing. Allele origin: germline.

ARUP Laboratories, Molecular Genetics and Genomics, ARUP Laboratories
Classification: Benign for Hemolytic anemia due to glutathione reductase deficiency. Last evaluated: 2025-07-28. Review status: criteria provided, single submitter. Criteria: ARUP Molecular Germline Variant Investigation Process 2024. Collection method: clinical testing. Allele origin: germline.

Mayo Clinic Laboratories, Mayo Clinic
Classification: Benign. Last evaluated: 2022-06-09. Review status: criteria provided, single submitter. Criteria: ACMG Guidelines, 2015. Collection method: clinical testing. Allele origin: germline. Observed: 91 variant alleles.
Comment: BA1

GeneDx
Classification: Benign. Last evaluated: 2021-06-09. Review status: criteria provided, single submitter. Criteria: GeneDx Variant Classification Process June 2021. Collection method: clinical testing. Allele origin: germline. Affected: yes.

Breakthrough Genomics
Classification: Benign. Review status: criteria provided, single submitter. Criteria: ACMG Guidelines, 2015. Collection method: not provided. Allele origin: germline. Inheritance: Autosomal recessive inheritance. Affected: yes.

NM_000637.5(GSR):c.189C>T (p.Ala63=)

Genes: GSR (glutathione-disulfide reductase; minus strand), LOC130000170 (ATAC-STARR-seq lymphoblastoid silent region 19083; plus strand). Cytogenetic location: 8p12.
Variant type: single nucleotide variant.
Coding change: c.189C>T on transcript NM_000637.5 (MANE Select); coding-DNA position 189, C replaced by T.
Protein change: p.Ala63=; no amino-acid change (alanine 63 retained).
Molecular consequence: synonymous variant.
Genome position (GRCh38, 1-based): chr8:30,727,647, G>A on the plus strand (C>T on the coding strand, the complement: GSR is on the minus strand). VCF-style: chr8-30727647-G-A. GRCh37 (hg19) VCF-style: chr8-30585164-G-A.
Other names: p.Ala63=; c.189C>T, p.Ala63= (NM_001195102.3, NM_001195103.3, NM_001195104.3).
Identifiers: ClinVar variation 811570 (VCV000811570.26), dbSNP rs2280854, ClinGen allele CA4701599.
Genomic context (GRCh38, chr8:30,727,647, plus strand): 5'-CGCCCTGCGCGCGCTGGCCAGCCCGCCCGAGCCGCCCCCGATCACCAGGTAGTCATAGGA[G>A]GCCACGGCGCCAGCAGCGGGCGGCGGGCCCTGCGGCTGCGGCTCCTGCCTGCAGGCCATG-3'
Protein context (NP_000628.2, residues 53-73): QGPPPAAGAV[Ala63=]SYDYLVIGGG